The following is an entry in ClinVar:

NM_004946.3(DOCK2):c.5335A>G (p.Thr1779Ala)

Gene: DOCK2 (dedicator of cytokinesis 2; plus strand). Cytogenetic location: 5q35.1.
Variant type: single nucleotide variant.
Coding change: c.5335A>G on transcript NM_004946.3 (MANE Select); coding-DNA position 5335, A replaced by G.
Protein change: p.Thr1779Ala; replaces threonine 1779 with alanine.
Molecular consequence: missense variant. On other transcripts: non-coding transcript variant (1).
Genome position (GRCh38, 1-based): chr5:170,081,889, A>G. VCF-style: chr5-170081889-A-G. GRCh37 (hg19) VCF-style: chr5-169508893-A-G.
Other names: c.5335A>G, p.Thr1779Ala (LRG_1227t1); short protein forms T1779A.
Identifiers: ClinVar variation 565453 (VCV000565453.6), dbSNP rs2270898, ClinGen allele CA362118999.

ClinVar aggregate classification (germline): Uncertain significance (1 of 4 stars; one submission).

Conditions:
DOCK2 deficiency. Also called: Immunodeficiency 40. Identifiers: Orphanet 447737, MedGen C4225328, MONDO:0014637, OMIM 616433.

gnomAD v4.1: 2 of 1,613,644 alleles (0.00012%); highest among the groups gnomAD compares: Non-Finnish European, 0.00017%; no homozygotes.

Submission:

Labcorp Genetics (formerly Invitae), Labcorp
Classification: Uncertain significance for DOCK2 deficiency. Last evaluated: 2021-08-31. Review status: criteria provided, single submitter. Criteria: Invitae Variant Classification Sherloc (09022015). Collection method: clinical testing. Allele origin: germline.
Comment: This sequence change replaces threonine with alanine at codon 1779 of the DOCK2 protein (p.Thr1779Ala). The threonine residue is weakly conserved and there is a small physicochemical difference between threonine and alanine. This variant is not present in population databases (ExAC no frequency). This variant has not been reported in the literature in individuals affected with DOCK2-related conditions. Algorithms developed to predict the effect of missense changes on protein structure and function output the following: SIFT: "Tolerated"; PolyPhen-2: "Benign"; Align-GVGD: "Class C0". The alanine amino acid residue is found in multiple mammalian species, which suggests that this missense change does not adversely affect protein function. In summary, the available evidence is currently insufficient to determine the role of this variant in disease. Therefore, it has been classified as a Variant of Uncertain Significance.